The following is an entry in ClinVar:

ClinVar aggregate classification (germline): Uncertain significance (1 of 4 stars; one submission).

Conditions:
Familial thoracic aortic aneurysm and aortic dissection (TAAD). Also called: Thoracic aortic aneurysms and dissections. Identifiers: Orphanet 91387, MedGen C4707243, MONDO:0019625.

Submission:

Labcorp Genetics (formerly Invitae), Labcorp
Classification: Uncertain significance for Familial thoracic aortic aneurysm and aortic dissection. Last evaluated: 2025-10-08. Review status: criteria provided, single submitter. Criteria: Invitae Variant Classification Sherloc (09022015). Collection method: clinical testing. Allele origin: germline.
Comment: This sequence change replaces alanine, which is neutral and non-polar, with isoleucine, which is neutral and non-polar, at codon 105 of the SMAD3 protein (p.Ala105Ile). Information on the frequency of this variant in the gnomAD database is not available, as this variant may be reported differently in the database. This variant has not been reported in the literature in individuals affected with SMAD3-related conditions. An algorithm developed to predict the effect of missense changes on protein structure and function (PolyPhen-2) suggests that this variant is likely to be disruptive. In summary, the available evidence is currently insufficient to determine the role of this variant in disease. Therefore, it has been classified as a Variant of Uncertain Significance.

NM_005902.4(SMAD3):c.313_314delinsAT (p.Ala105Ile)

Gene: SMAD3 (SMAD family member 3; plus strand). Cytogenetic location: 15q22.33.
Variant type: Indel.
Coding change: c.313_314delinsAT on transcript NM_005902.4 (MANE Select); coding-DNA positions 313 to 314, GC replaced by AT.
Protein change: p.Ala105Ile; replaces alanine 105 with isoleucine.
Molecular consequence: missense variant. On other transcripts: 5 prime UTR variant (3).
Genome position (GRCh38, 1-based): chr15:67,165,001-67,165,002, GC replaced by AT. VCF-style: chr15-67165001-GC-AT. GRCh37 (hg19) VCF-style: chr15-67457339-GC-AT.
Other names: c.-3_-2delinsAT (NM_001145102.2, NM_001407015.1, NM_001407016.1); c.181_182delinsAT, p.Ala61Ile (NM_001145103.2); c.313_314delinsAT, p.Ala105Ile (NM_001407011.1, NM_001407012.1, NM_001407013.1); c.166_167delinsAT, p.Ala56Ile (NM_001407014.1); short protein forms A105I, A56I, A61I.
Identifiers: ClinVar variation 4728716 (VCV004728716.1).